The following is an entry in ClinVar:

ClinVar aggregate classification (germline): Uncertain significance (1 of 4 stars; one submission).

Allele frequency attached by ClinVar (database versions not stated): TOPMed below 0.00001; ExAC 0.00001; gnomAD exomes 0.00001.
gnomAD v4.1: 12 of 1,592,216 alleles (0.00075%); highest among the groups gnomAD compares: Non-Finnish European, 0.00094%; no homozygotes.

Submission:

GeneDx
Classification: Uncertain significance. Last evaluated: 2022-02-11. Review status: criteria provided, single submitter. Criteria: GeneDx Variant Classification Process June 2021. Collection method: clinical testing. Allele origin: germline. Affected: yes.
Comment: In silico analysis supports that this missense variant has a deleterious effect on protein structure/function; Has not been previously published as pathogenic or benign to our knowledge

NM_016148.5(SHANK1):c.4658C>T (p.Ser1553Leu)

Gene: SHANK1 (SH3 and multiple ankyrin repeat domains 1; minus strand). Cytogenetic location: 19q13.33.
Variant type: single nucleotide variant.
Coding change: c.4658C>T on transcript NM_016148.5 (MANE Select); coding-DNA position 4658, C replaced by T.
Protein change: p.Ser1553Leu; replaces serine 1553 with leucine.
Molecular consequence: missense variant.
Genome position (GRCh38, 1-based): chr19:50,667,302, G>A on the plus strand (C>T on the coding strand, the complement: SHANK1 is on the minus strand). VCF-style: chr19-50667302-G-A. GRCh37 (hg19) VCF-style: chr19-51170559-G-A.
Other names: short protein forms S1553L.
Identifiers: ClinVar variation 1700979 (VCV001700979.2), dbSNP rs781533078, ClinGen allele CA9601135.
Genomic context (GRCh38, chr19:50,667,302, plus strand): 5'-AATTCCAGAGGCGGAGGCAGCGGTTCCACGAAAAGGAATTCGCCATCTTCCACATCCACC[G>A]AGGGGGCGGGAGGCGGCAGGACCAGCAGGGGCAGCCCGTTCTCTTCGCTGGCCCTCGGGG-3'
Protein context (NP_057232.2, residues 1543-1563): PLLVLPPPAP[Ser1553Leu]VDVEDGEFLF